The following is an entry in ClinVar:

NM_001330723.2(SNX27):c.737-15_737-10del

Gene: SNX27 (sorting nexin 27; plus strand). Cytogenetic location: 1q21.3.
Variant type: Deletion.
Coding change: c.737-15_737-10del on transcript NM_001330723.2 (MANE Select); 15 bases into the intron before coding-DNA position 737 through 10 bases into the intron before coding-DNA position 737, 6 bases deleted (CTTTAT; older notation c.737-15_737-10delCTTTAT).
Molecular consequence: intron variant.
Genome position (GRCh38, 1-based): chr1:151,660,783-151,660,788, CTTTAT deleted; deleting any 6 consecutive bases within chr1:151,660,778-151,660,788 gives the same sequence; the c. name uses the placement nearest the transcript's 3' end. VCF-style (leftmost placement, unchanged base first): chr1-151660777-TTTTATC-T. GRCh37 (hg19) VCF-style: chr1-151633253-TTTTATC-T.
Other names: c.737-15_737-10del (NM_030918.6).
Identifiers: ClinVar variation 2171780 (VCV002171780.2), dbSNP rs2524997627, ClinGen allele CA2580061033.

ClinVar aggregate classification (germline): Uncertain significance (1 of 4 stars; one submission).

Conditions:
Severe myoclonic epilepsy in infancy (DRVT). Also called: Dravet syndrome; Epileptic encephalopathy, early infantile, 6 (Dravet syndrome); SEVERE MYOCLONIC EPILEPSY OF INFANCY; DEVELOPMENTAL AND EPILEPTIC ENCEPHALOPATHY 6A; Severe Myoclonic Epilepsy in Infancy (SMEI). Identifiers: Orphanet 33069, MedGen C0751122, MONDO:0100135, OMIM 607208.

Submission:

Labcorp Genetics (formerly Invitae), Labcorp
Classification: Uncertain significance for Severe myoclonic epilepsy in infancy. Last evaluated: 2025-11-10. Review status: criteria provided, single submitter. Criteria: Invitae Variant Classification Sherloc (09022015). Collection method: clinical testing. Allele origin: germline.
Comment: This sequence change falls in intron 3 of the SNX27 gene. It does not directly change the encoded amino acid sequence of the SNX27 protein. This variant is not present in population databases (gnomAD no frequency). This variant has not been reported in the literature in individuals affected with SNX27-related conditions. ClinVar contains an entry for this variant (Variation ID: 2171780). Algorithms developed to predict the effect of sequence changes on RNA splicing suggest that this variant may create or strengthen a splice site. In summary, the available evidence is currently insufficient to determine the role of this variant in disease. Therefore, it has been classified as a Variant of Uncertain Significance.